The following is an entry in ClinVar:

NM_019844.4(SLCO1B3):c.1401_1402del (p.Gln469fs)

Genes: SLCO1B3 (solute carrier organic anion transporter family member 1B3; plus strand), SLCO1B3-SLCO1B7 (SLCO1B3-SLCO1B7 readthrough; plus strand). Cytogenetic location: 12p12.2.
Variant type: Deletion.
Coding change: c.1401_1402del on transcript NM_019844.4 (MANE Select); coding-DNA positions 1401 to 1402, 2 bases deleted (AA; older notation c.1401_1402delAA).
Protein change: p.Gln469fs; shifts the reading frame from glutamine 469.
Molecular consequence: frameshift variant.
Genome position (GRCh38, 1-based): chr12:20,880,924-20,880,925, AA deleted; deleting any 2 consecutive bases within chr12:20,880,923-20,880,925 gives the same sequence; the c. name uses the placement nearest the transcript's 3' end. VCF-style (leftmost placement, unchanged base first): chr12-20880922-GAA-G. GRCh37 (hg19) VCF-style: chr12-21033856-GAA-G.
Other names: c.1401_1402del, p.Gln469fs (NM_001371097.1); c.1317_1318del, p.Gln441fs (NM_001349920.2); short protein forms Q441fs, Q469fs.
Identifiers: ClinVar variation 4978127 (VCV004978127.1).
Genomic context (GRCh38, chr12:20,880,922, plus strand): 5'-TCAGTGGCATCTCATGTAGATGTACCACTTTCTTATTGCAACTCAGAGTGCAATTGTGAT[GAA>G]AGTCAGTGGGAACCAGTCTGTGGGAACAATGGAATAACTTACCTGTCACCTTGTCTAGCA-3'

ClinVar aggregate classification (germline): Likely pathogenic (1 of 4 stars; one submission).

Conditions:
SLCO1B3-related disorder. Also called: SLCO1B3-related condition.

Submission:

PreventionGenetics, part of Exact Sciences
Classification: Likely pathogenic for SLCO1B3-related condition. Last evaluated: 2025-10-17. Review status: criteria provided, single submitter. Criteria: ACMG Guidelines, 2015. Collection method: clinical testing. Allele origin: germline.
Comment: The SLCO1B3 c.1401_1402delAA variant is predicted to result in a frameshift and premature protein termination (p.Gln469Valfs*27). To our knowledge, this variant has not been reported in the literature. This variant is reported in 0.018% of alleles in individuals of African descent in gnomAD. Frameshift variants in SLCO1B3 are expected to be pathogenic. This variant is interpreted as likely pathogenic.